The following is an entry in ClinVar:

ClinVar aggregate classification (germline): Uncertain significance. Review status: criteria provided, single submitter (1 of 4 stars). 2 submissions from 2 submitters: Uncertain significance (1). 1 of the submissions does not count toward it. Last evaluated 2020-08-05.

Conditions:
Chuvash polycythemia. Also called: POLYCYTHEMIA, VHL-DEPENDENT. Identifiers: Orphanet 238557, MedGen C1837915, MONDO:0009892, OMIM 263400.
Von Hippel-Lindau syndrome (VHLS). Also called: von Hippel–Lindau syndrome; Von Hippel-Lindau; VHL syndrome. Identifiers: Orphanet 892, MedGen C0019562, MONDO:0008667, OMIM 193300. Disease mechanism: loss of function.

Submissions (2):

Labcorp Genetics (formerly Invitae), Labcorp
Classification: Uncertain significance for Von Hippel-Lindau syndrome; Chuvash polycythemia. Last evaluated: 2020-08-05. Review status: criteria provided, single submitter. Criteria: Invitae Variant Classification Sherloc (09022015). Collection method: clinical testing. Allele origin: germline.
Comment: This variant occurs in a non-coding region of the VHL gene. It does not change the encoded amino acid sequence of the VHL protein. This variant is not present in population databases (ExAC no frequency). This variant has not been reported in the literature in individuals with VHL-related disease. ClinVar contains an entry for this variant (Variation ID: 371897). In summary, the available evidence is currently insufficient to determine the role of this variant in disease. Therefore, it has been classified as a Variant of Uncertain Significance.

Counsyl
Classification: Uncertain significance for Von Hippel-Lindau syndrome. Last evaluated: 2016-07-27. Review status: no assertion criteria provided. Collection method: clinical testing. Allele origin: unknown. Not counted in ClinVar's aggregate classification.

Literature cited by the submitters: PubMed 23315997 (cited by Counsyl); PubMed 11409863 (cited by Counsyl).

NM_000551.4(VHL):c.*7C>G

Genes: VHL (von Hippel-Lindau tumor suppressor; plus strand), LOC107303340 (3p25 von Hippel-Lindau tumor suppressor, E3 ubiquitin protein ligase Alu-mediated recombination region; plus strand). Cytogenetic location: 3p25.3.
Variant type: single nucleotide variant.
Coding change: c.*7C>G on transcript NM_000551.4 (MANE Select); 7 bases downstream of the stop codon, C replaced by G.
Molecular consequence: 3 prime UTR variant.
Genome position (GRCh38, 1-based): chr3:10,149,972, C>G. VCF-style: chr3-10149972-C-G. GRCh37 (hg19) VCF-style: chr3-10191656-C-G.
Other names: c.*203C>G (NM_001354723.2); c.*7C>G (NM_198156.3).
Identifiers: ClinVar variation 371897 (VCV000371897.9), dbSNP rs778005138, ClinGen allele CA16042064.